The following is an entry in ClinVar:

NM_001029896.2(WDR45):c.29C>T (p.Thr10Ile)

Genes: WDR45 (WD repeat domain 45; minus strand), LOC126863256 (BRD4-independent group 4 enhancer GRCh37_chrX:48934848-48936047; plus strand). Cytogenetic location: Xp11.23.
Variant type: single nucleotide variant.
Coding change: c.29C>T on transcript NM_001029896.2 (MANE Select); coding-DNA position 29, C replaced by T.
Protein change: p.Thr10Ile; replaces threonine 10 with isoleucine.
Molecular consequence: missense variant.
Genome position (GRCh38, 1-based): chrX:49,078,067, G>A on the plus strand (C>T on the coding strand, the complement: WDR45 is on the minus strand). VCF-style: chrX-49078067-G-A. GRCh37 (hg19) VCF-style: chrX-48935726-G-A.
Other names: c.29C>T, p.Thr10Ile (NM_007075.4); short protein forms T10I.
Identifiers: ClinVar variation 1702827 (VCV001702827.2), dbSNP rs2147817863, ClinGen allele CA412949529.
Genomic context (GRCh38, chrX:49,078,067, plus strand): 5'-CTCCCACAAGGGTACAGGCCCAATCCTCTCTCACTTTGGTCTTGGTTGAAACGCAGGCTG[G>A]TCACTCCTCGAAGTGGCTGTTGAGTCATGGTGCAGGATTGTTCCTCTGCATACAAATGGG-3'
Protein context (NP_001025067.1, residues 1-20): MTQQPLRGV[Thr10Ile]SLRFNQDQSC

ClinVar aggregate classification (germline): Uncertain significance (1 of 4 stars; one submission).

Submission:

GeneDx
Classification: Uncertain significance. Last evaluated: 2022-02-17. Review status: criteria provided, single submitter. Criteria: GeneDx Variant Classification Process June 2021. Collection method: clinical testing. Allele origin: germline. Affected: yes.
Comment: Not observed at significant frequency in large population cohorts (gnomAD); In silico analysis supports that this missense variant does not alter protein structure/function; Has not been previously published as pathogenic or benign to our knowledge